The following is an entry in ClinVar:

NM_001854.4(COL11A1):c.2557-5T>G

Gene: COL11A1 (collagen type XI alpha 1 chain; minus strand). Cytogenetic location: 1p21.1.
Variant type: single nucleotide variant.
Coding change: c.2557-5T>G on transcript NM_001854.4 (MANE Select); 5 bases into the intron before coding-DNA position 2557, T replaced by G.
Molecular consequence: intron variant.
Genome position (GRCh38, 1-based): chr1:102,979,440, A>C on the plus strand (T>G on the coding strand, the complement: COL11A1 is on the minus strand). VCF-style: chr1-102979440-A-C. GRCh37 (hg19) VCF-style: chr1-103444996-A-C.
Other names: c.2440-5T>G (NM_001190709.2); c.2593-5T>G (NM_080629.3); c.2209-5T>G (NM_080630.4).
Identifiers: ClinVar variation 4532425 (VCV004532425.1).

ClinVar aggregate classification (germline): Uncertain significance (1 of 4 stars; one submission).

Submission:

GeneDx
Classification: Uncertain significance. Last evaluated: 2025-05-30. Review status: criteria provided, single submitter. Criteria: GeneDx Variant Classification Process June 2021. Collection method: clinical testing. Allele origin: germline. Affected: yes.
Comment: Not observed at significant frequency in large population cohorts (gnomAD); Has not been previously published as pathogenic or benign to our knowledge; In silico analysis is inconclusive as to whether the variant alters gene splicing. In the absence of RNA/functional studies, the actual effect of this sequence change is unknown.